The following is an entry in ClinVar:

ClinVar aggregate classification (germline): Uncertain significance (1 of 4 stars; one submission).

Conditions:
Hereditary cancer-predisposing syndrome. Also called: Neoplastic Syndromes, Hereditary; Tumor predisposition; Hereditary neoplastic syndrome; Hereditary Cancer Syndrome. Identifiers: Orphanet 140162, MedGen C0027672, MeSH D009386, MONDO:0015356.

Submission:

Ambry Genetics
Classification: Uncertain significance for Hereditary cancer-predisposing syndrome. Last evaluated: 2026-06-24. Review status: criteria provided, single submitter. Criteria: Ambry Variant Classification Scheme 2023. Collection method: clinical testing. Allele origin: germline.
Comment: The p.A333E variant (also known as c.998C>A), located in coding exon 9 of the MITF gene, results from a C to A substitution at nucleotide position 998. The alanine at codon 333 is replaced by glutamic acid, an amino acid with dissimilar properties. This amino acid position is conserved. In addition, this alteration is predicted to be tolerated by in silico analysis. Based on the available evidence, the clinical significance of this variant remains unclear.

NM_001354604.2(MITF):c.1319C>A (p.Ala440Glu)

Gene: MITF (melanocyte inducing transcription factor; plus strand). Cytogenetic location: 3p13.
Variant type: single nucleotide variant.
Coding change: c.1319C>A on transcript NM_001354604.2 (MANE Select); coding-DNA position 1319, C replaced by A.
Protein change: p.Ala440Glu; replaces alanine 440 with glutamic acid.
Molecular consequence: missense variant.
Genome position (GRCh38, 1-based): chr3:69,964,986, C>A. VCF-style: chr3-69964986-C-A. GRCh37 (hg19) VCF-style: chr3-70014137-C-A.
Other names: c.998C>A, p.Ala333Glu (NM_000248.4); c.1145C>A, p.Ala382Glu (NM_001184967.2, NM_001354608.2); c.1316C>A, p.Ala439Glu (NM_001354605.2); c.1298C>A, p.Ala433Glu (NM_001354606.2, NM_006722.3); c.1250C>A, p.Ala417Glu (NM_001354607.2); c.980C>A, p.Ala327Glu (NM_198158.3); c.1301C>A, p.Ala434Glu (NM_198159.3); c.1253C>A, p.Ala418Glu (NM_198177.3); and 1 more; short protein forms A417E, A434E, A440E, A271E, A327E, A382E, A418E, A333E.
Identifiers: ClinVar variation 5024471 (VCV005024471.1).